The following is an entry in ClinVar:

NM_002448.3(MSX1):c.223G>C (p.Ala75Pro)

Genes: MSX1 (msh homeobox 1; plus strand), LOC129992137 (ATAC-STARR-seq lymphoblastoid silent region 15219; plus strand). Cytogenetic location: 4p16.2.
Variant type: single nucleotide variant.
Coding change: c.223G>C on transcript NM_002448.3 (MANE Select); coding-DNA position 223, G replaced by C.
Protein change: p.Ala75Pro; replaces alanine 75 with proline.
Molecular consequence: missense variant.
Genome position (GRCh38, 1-based): chr4:4,860,122, G>C. VCF-style: chr4-4860122-G-C. GRCh37 (hg19) VCF-style: chr4-4861849-G-C.
Other names: short protein forms A75P.
Identifiers: ClinVar variation 3212852 (VCV003212852.2), dbSNP rs537984383, ClinGen allele CA356137410.
Genomic context (GRCh38, chr4:4,860,122, plus strand): 5'-TCCCCTTCGCTCCTGCCCTTCAGCGTGGAGGCGCTCATGGCCGACCACAGGAAGCCGGGG[G>C]CCAAGGAGAGCGCCCTGGCGCCCTCCGAGGGCGTGCAGGCGGCGGGTGGCTCGGCGCAGC-3'
Protein context (NP_002439.2, residues 65-85): ALMADHRKPG[Ala75Pro]KESALAPSEG

ClinVar aggregate classification (germline): Uncertain significance. Review status: criteria provided, multiple submitters, no conflicts (2 of 4 stars). 2 submissions from 2 submitters: Uncertain significance (2). Last evaluated 2026-01-18.

Conditions:
Inborn genetic diseases. Identifiers: MedGen C0950123, MeSH D030342.
Hypoplastic enamel-onycholysis-hypohidrosis syndrome (TNS). Also called: Tooth-and-Nail Syndrome; ECTODERMAL DYSPLASIA 3, TOOTH/NAIL TYPE; ECTODERMAL DYSPLASIA 3, WITKOP TYPE; WITKOP SYNDROME; NAIL DYSPLASIA WITH HYPODONTIA. Identifiers: Orphanet 2228, MedGen C0406735, MONDO:0008582, OMIM 189500.

gnomAD v4.1: 3 of 1,515,032 alleles (0.0002%); highest among the groups gnomAD compares: Non-Finnish European, 0.00026%; no homozygotes.

Submissions (2):

Labcorp Genetics (formerly Invitae), Labcorp
Classification: Uncertain significance for Hypoplastic enamel-onycholysis-hypohidrosis syndrome. Last evaluated: 2026-01-18. Review status: criteria provided, single submitter. Criteria: Invitae Variant Classification Sherloc (09022015). Collection method: clinical testing. Allele origin: germline.
Comment: This sequence change replaces alanine, which is neutral and non-polar, with proline, which is neutral and non-polar, at codon 75 of the MSX1 protein (p.Ala75Pro). This variant is not present in population databases (gnomAD no frequency). This variant has not been reported in the literature in individuals affected with MSX1-related conditions. ClinVar contains an entry for this variant (Variation ID: 3212852). Invitae Evidence Modeling of protein sequence and biophysical properties (such as structural, functional, and spatial information, amino acid conservation, physicochemical variation, residue mobility, and thermodynamic stability) indicates that this missense variant is not expected to disrupt MSX1 protein function with a negative predictive value of 80%. In summary, the available evidence is currently insufficient to determine the role of this variant in disease. Therefore, it has been classified as a Variant of Uncertain Significance.

Ambry Genetics
Classification: Uncertain significance for Inborn genetic diseases. Last evaluated: 2024-02-28. Review status: criteria provided, single submitter. Criteria: Ambry Variant Classification Scheme 2023. Collection method: clinical testing. Allele origin: germline.